The following is an entry in ClinVar:

ClinVar aggregate classification (germline): Uncertain significance (1 of 4 stars; one submission).

Conditions:
Inborn genetic diseases. Identifiers: MedGen C0950123, MeSH D030342.

Submission:

Ambry Genetics
Classification: Uncertain significance for Inborn genetic diseases. Last evaluated: 2025-07-03. Review status: criteria provided, single submitter. Criteria: Ambry Variant Classification Scheme 2023. Collection method: clinical testing. Allele origin: germline.
Comment: The p.E778D variant (also known as c.2334A>C), located in coding exon 14 of the FANCM gene, results from an A to C substitution at nucleotide position 2334. The glutamic acid at codon 778 is replaced by aspartic acid, an amino acid with highly similar properties. This amino acid position is conserved. In addition, this alteration is predicted to be tolerated by in silico analysis. Based on the available evidence, the clinical significance of this variant remains unclear.

NM_020937.4(FANCM):c.2334A>C (p.Glu778Asp)

Gene: FANCM (FA complementation group M; plus strand). Cytogenetic location: 14q21.2.
Variant type: single nucleotide variant.
Coding change: c.2334A>C on transcript NM_020937.4 (MANE Select); coding-DNA position 2334, A replaced by C.
Protein change: p.Glu778Asp; replaces glutamic acid 778 with aspartic acid.
Molecular consequence: missense variant.
Genome position (GRCh38, 1-based): chr14:45,175,088, A>C. VCF-style: chr14-45175088-A-C. GRCh37 (hg19) VCF-style: chr14-45644291-A-C.
Other names: c.2256A>C, p.Glu752Asp (NM_001308133.2); short protein forms E752D, E778D.
Identifiers: ClinVar variation 4254568 (VCV004254568.1).
Genomic context (GRCh38, chr14:45,175,088, plus strand): 5'-TGTTTTGTTTTCCTGTGGCTTTTTAAATTTTCCTTATTTATAGGGAGAATGCAGCTATGA[A>C]TTGGAAGTTGAATCTTATTTACAAATGGAAGATGTTACCTCAACATTTATTGCTCCCAGG-3'
Protein context (NP_065988.1, residues 768-788): MRHEEGECSY[Glu778Asp]LEVESYLQME